The following is an entry in ClinVar:

NM_001379500.1(COL18A1):c.847C>G (p.Pro283Ala)

Gene: COL18A1 (collagen type XVIII alpha 1 chain; plus strand). Cytogenetic location: 21q22.3.
Variant type: single nucleotide variant.
Coding change: c.847C>G on transcript NM_001379500.1 (MANE Select); coding-DNA position 847, C replaced by G.
Protein change: p.Pro283Ala; replaces proline 283 with alanine.
Molecular consequence: missense variant.
Genome position (GRCh38, 1-based): chr21:45,476,399, C>G. VCF-style: chr21-45476399-C-G. GRCh37 (hg19) VCF-style: chr21-46896313-C-G.
Other names: c.1387C>G, p.Pro463Ala (NM_030582.4); c.2092C>G, p.Pro698Ala (NM_130444.3); short protein forms P283A, P698A, P463A.
Identifiers: ClinVar variation 1364620 (VCV001364620.3), dbSNP rs773744285, ClinGen allele CA10065965.

ClinVar aggregate classification (germline): Uncertain significance (1 of 4 stars; one submission).

Allele frequency attached by ClinVar (database versions not stated): gnomAD exomes below 0.00001; ExAC 0.00001; gnomAD 0.00002; TOPMed 0.00002.
gnomAD v4.1: 6 of 1,614,064 alleles (0.00037%); highest among the groups gnomAD compares: African/African-American, 0.0067%; no homozygotes.

Submission:

Labcorp Genetics (formerly Invitae), Labcorp
Classification: Uncertain significance. Last evaluated: 2021-06-29. Review status: criteria provided, single submitter. Criteria: Invitae Variant Classification Sherloc (09022015). Collection method: clinical testing. Allele origin: germline.
Comment: This sequence change replaces proline with alanine at codon 283 of the COL18A1 protein (p.Pro283Ala). There is a small physicochemical difference between proline and alanine. This variant is present in population databases (rs773744285, ExAC 0.01%). This variant has not been reported in the literature in individuals affected with COL18A1-related conditions. Experimental studies and prediction algorithms are not available or were not evaluated, and the functional significance of this variant is currently unknown. In summary, the available evidence is currently insufficient to determine the role of this variant in disease. Therefore, it has been classified as a Variant of Uncertain Significance.